The following is an entry in ClinVar:

ClinVar aggregate classification (germline): Uncertain significance (1 of 4 stars; one submission).

Allele frequency attached by ClinVar (database versions not stated): TOPMed 0.00001 and 0.00002; ExAC 0.00001; gnomAD 0.00001; gnomAD exomes 0.00001.
gnomAD v4.1: 11 of 1,613,914 alleles (0.00068%); highest among the groups gnomAD compares: African/African-American, 0.0027%; no homozygotes.

Submission:

Centre for Mendelian Genomics, University Medical Centre Ljubljana
Classification: Uncertain significance. Last evaluated: 2019-03-12. Review status: criteria provided, single submitter. Criteria: ACMG Guidelines, 2015. Collection method: clinical testing. Allele origin: unknown. Affected: yes.
Comment: This variant was classified as: Uncertain significance. The available evidence on this variant's pathogenicity is insufficient or conflicting. The following ACMG criteria were applied in classifying this variant: BP4.

NM_138326.3(ACMSD):c.677-14G>T

Genes: ACMSD (aminocarboxymuconate semialdehyde decarboxylase; plus strand), CCNT2-AS1 (CCNT2 antisense RNA 1; minus strand). Cytogenetic location: 2q21.3.
Variant type: single nucleotide variant.
Coding change: c.677-14G>T on transcript NM_138326.3 (MANE Select); 14 bases into the intron before coding-DNA position 677, G replaced by T.
Molecular consequence: intron variant.
Genome position (GRCh38, 1-based): chr2:134,872,455, G>T. VCF-style: chr2-134872455-G-T. GRCh37 (hg19) VCF-style: chr2-135630025-G-T.
Other names: c.503-14G>T (NM_001307983.2).
Identifiers: ClinVar variation 931507 (VCV000931507.3), dbSNP rs765944905, ClinGen allele CA1882832.
Genomic context (GRCh38, chr2:134,872,455, plus strand): 5'-TTGCATATAACATCAAGACTAAAGGAATCCTTTACAATCAACACTAGCCCCTCAGTAATG[G>T]GTTTTACTTGCAGGTGGTGCCTTCCCCTTCACAGTGGGAAGAATCTCCCATGGATTCAGC-3'